The following is an entry in ClinVar:

ClinVar aggregate classification (germline): Uncertain significance (1 of 4 stars; one submission).

Conditions:
Short-rib thoracic dysplasia 8 with or without polydactyly (SRTD8). Also called: SHORT-RIB THORACIC DYSPLASIA 8 WITH POLYDACTYLY. Identifiers: Orphanet 93271, MedGen C3809691, MONDO:0014214, OMIM 615503.

gnomAD v4.1: 1 of 1,611,064 alleles (0.000062%); highest among the groups gnomAD compares: Admixed American, 0.0017%; no homozygotes.

Submission:

Labcorp Genetics (formerly Invitae), Labcorp
Classification: Uncertain significance for Short-rib thoracic dysplasia 8 with or without polydactyly. Last evaluated: 2022-10-24. Review status: criteria provided, single submitter. Criteria: Invitae Variant Classification Sherloc (09022015). Collection method: clinical testing. Allele origin: germline.
Comment: This variant is present in population databases (rs368651864, gnomAD 0.007%). In summary, the available evidence is currently insufficient to determine the role of this variant in disease. Therefore, it has been classified as a Variant of Uncertain Significance. Algorithms developed to predict the effect of missense changes on protein structure and function (SIFT, PolyPhen-2, Align-GVGD) all suggest that this variant is likely to be tolerated. This variant has not been reported in the literature in individuals affected with WDR60-related conditions. This sequence change replaces glycine, which is neutral and non-polar, with alanine, which is neutral and non-polar, at codon 295 of the WDR60 protein (p.Gly295Ala).

NM_018051.5(DYNC2I1):c.884G>C (p.Gly295Ala)

Gene: DYNC2I1 (dynein 2 intermediate chain 1; plus strand). Cytogenetic location: 7q36.3.
Variant type: single nucleotide variant.
Coding change: c.884G>C on transcript NM_018051.5 (MANE Select); coding-DNA position 884, G replaced by C.
Protein change: p.Gly295Ala; replaces glycine 295 with alanine.
Molecular consequence: missense variant. On other transcripts: 5 prime UTR variant (3), intron variant (1).
Genome position (GRCh38, 1-based): chr7:158,884,568, G>C. VCF-style: chr7-158884568-G-C. GRCh37 (hg19) VCF-style: chr7-158677259-G-C.
Other names: c.746G>C, p.Gly249Ala (NM_001350914.2); c.-475G>C (NM_001350916.2); c.-483G>C (NM_001350917.2); c.-602G>C (NM_001350918.2); c.363-2453G>C (NM_001350915.2); short protein forms G249A, G295A.
Identifiers: ClinVar variation 2096022 (VCV002096022.4), dbSNP rs368651864, ClinGen allele CA4594425.